The following is an entry in ClinVar:

ClinVar aggregate classification (germline): Pathogenic. Review status: criteria provided, multiple submitters, no conflicts (2 of 4 stars). 4 submissions from 4 submitters: Pathogenic (4). Last evaluated 2026-08-31.

Conditions:
Tuberous sclerosis 1 (TSC1). Identifiers: Orphanet 805, MedGen C1854465, MONDO:0008612, OMIM 191100.
Tuberous sclerosis syndrome (TSC). Also called: Tuberous Sclerosis Complex; Tuberous sclerosis. Identifiers: Orphanet 805, MedGen C0041341, MONDO:0001734.
Hereditary cancer-predisposing syndrome. Also called: Neoplastic Syndromes, Hereditary; Tumor predisposition; Hereditary Cancer Syndrome; Hereditary neoplastic syndrome. Identifiers: Orphanet 140162, MedGen C0027672, MeSH D009386, MONDO:0015356.

Submissions (4):

Myriad Genetics, Inc.
Classification: Pathogenic for Tuberous sclerosis 1. Last evaluated: 2026-08-31. Review status: criteria provided, single submitter. Criteria: Myriad Autosomal Dominant, Autosomal Recessive and X-Linked Classification Criteria (2023). Collection method: clinical testing. Allele origin: unknown.
Comment: This variant is considered pathogenic. This variant creates a frameshift predicted to result in premature protein truncation.

Ambry Genetics
Classification: Pathogenic for Hereditary cancer-predisposing syndrome. Last evaluated: 2025-11-20. Review status: criteria provided, single submitter. Criteria: Ambry Variant Classification Scheme 2023. Collection method: clinical testing. Allele origin: germline.
Comment: The c.1257dupC pathogenic mutation, located in coding exon 10 of the TSC1 gene, results from a duplication of C at nucleotide position 1257, causing a translational frameshift with a predicted alternate stop codon (p.R420Qfs*22). This variant is considered to be rare based on population cohorts in the Genome Aggregation Database (gnomAD). This alteration is expected to result in loss of function by premature protein truncation or nonsense-mediated mRNA decay. As such, this alteration is interpreted as a disease-causing mutation.

Labcorp Genetics (formerly Invitae), Labcorp
Classification: Pathogenic for Tuberous sclerosis 1. Last evaluated: 2025-04-30. Review status: criteria provided, single submitter. Criteria: Invitae Variant Classification Sherloc (09022015). Collection method: clinical testing. Allele origin: germline.
Comment: This sequence change creates a premature translational stop signal (p.Arg420Glnfs*22) in the TSC1 gene. It is expected to result in an absent or disrupted protein product. Loss-of-function variants in TSC1 are known to be pathogenic (PMID: 10227394, 17304050). This variant is not present in population databases (gnomAD no frequency). This variant has not been reported in the literature in individuals affected with TSC1-related conditions. ClinVar contains an entry for this variant (Variation ID: 1953076). For these reasons, this variant has been classified as Pathogenic.

All of Us Research Program, National Institutes of Health
Classification: Pathogenic for Tuberous sclerosis syndrome. Last evaluated: 2024-08-19. Review status: criteria provided, single submitter. Criteria: ACMG Guidelines, 2015. Collection method: clinical testing. Allele origin: germline. Inheritance: Autosomal dominant inheritance. Observed: 1 variant allele, 1 heterozygote.
Comment: The c.1257dup (p.Arg420Glnfs*22) variant of the TSC1 gene creates an early stop codon. It is predicted to result in an absent or disrupted protein product. This variant has been reported in a sample of the TCGA renal cell carcinomas (RCC) cohort from cbioportal (PMID: 29941307). This variant is absent in the general population by the Genome Aggregation Database (gnomAD). Truncating variants in TSC1 are known to be pathogenic (PMID: 10363127, 10533067, 20399389). This variant has been reported in ClinVar (Variation ID: 1953076). Therefore, the c.1257dup (p.Arg420Glnfs*22) variant of the TSC1 gene is classified as pathogenic.

This study involves interpretation of variants in research participants for the purpose of population health screening. Participant phenotype was not available at the time of variant classification. Additional details can be found in publication PMID: 35346344, PMCID: PMC8962531

Literature cited by the submitters: PubMed 10227394 (cited by Labcorp Genetics (formerly Invitae), Labcorp); PubMed 17304050 (cited by Labcorp Genetics (formerly Invitae), Labcorp); PubMed 10363127 (cited by All of Us Research Program, National Institutes of Health); PubMed 10533067 (cited by All of Us Research Program, National Institutes of Health); PubMed 20399389 (cited by All of Us Research Program, National Institutes of Health); PubMed 29941307 (cited by All of Us Research Program, National Institutes of Health).

NM_000368.5(TSC1):c.1257dup (p.Arg420fs)

Gene: TSC1 (TSC complex subunit 1; minus strand). Cytogenetic location: 9q34.13.
Variant type: Duplication.
Coding change: c.1257dup on transcript NM_000368.5 (MANE Select); coding-DNA position 1257, one base duplicated (C; older notation c.1257dupC).
Protein change: p.Arg420fs; shifts the reading frame from arginine 420.
Molecular consequence: frameshift variant.
Genome position (GRCh38, 1-based): chr9:132,910,577, G duplicated on the plus strand (C on the coding strand, the reverse complement: TSC1 is on the minus strand); the first of 6 consecutive G bases (chr9:132,910,577-132,910,582); duplicating any one gives the same sequence. VCF-style (leftmost placement, unchanged base first): chr9-132910576-T-TG. GRCh37 (hg19) VCF-style: chr9-135785963-T-TG.
Other names: c.1254dup, p.Arg419fs (NM_001162426.2); c.1104dup, p.Arg369fs (NM_001162427.2); c.894dup, p.Arg299fs (NM_001362177.2); c.1252dup, p.Arg420Glnfs (NM_001406592.1, NM_001406593.1, NM_001406594.1 and 7 more transcripts); c.1249dup, p.Arg419Glnfs (NM_001406597.1, NM_001406598.1, NM_001406599.1 and 5 more transcripts); c.1099dup, p.Arg369Glnfs (NM_001406610.1); c.1096dup, p.Arg368Glnfs (NM_001406611.1, NM_001406612.1, NM_001406613.1); c.889dup, p.Arg299Glnfs (NM_001406614.1, NM_001406615.1, NM_001406616.1 and 4 more transcripts); and 5 more; short protein forms R420fs, R369fs, R299fs, R419fs.
Identifiers: ClinVar variation 1953076 (VCV001953076.8), dbSNP rs118203506, ClinGen allele CA5301769.